The following is an entry in ClinVar:

ClinVar aggregate classification (germline): Uncertain significance. Review status: criteria provided, multiple submitters, no conflicts (2 of 4 stars). 6 submissions from 6 submitters: Uncertain significance (4). 2 of the submissions do not count toward it. Last evaluated 2025-12-20.

Conditions:
Cardiovascular phenotype. Identifiers: MedGen CN230736.
Myofibrillar myopathy 5. Also called: Filaminopathy (type); FILAMINOPATHY, AUTOSOMAL DOMINANT. Identifiers: Orphanet 171445, MedGen C1836050, MONDO:0012289, OMIM 609524.
Hypertrophic cardiomyopathy 26. Also called: Cardiomyopathy, familial hypertrophic, 26. Identifiers: Orphanet 75249, MedGen C4310749, MONDO:0014883, OMIM 617047.
Distal myopathy with posterior leg and anterior hand involvement. Also called: WILLIAMS DISTAL MYOPATHY. Identifiers: Orphanet 63273, MedGen C3279722, MONDO:0013550, OMIM 614065.

Allele frequency attached by ClinVar (database versions not stated): TOPMed 0.00001.
gnomAD v4.1: 17 of 1,607,288 alleles (0.0011%); highest among the groups gnomAD compares: South Asian, 0.0022%; no homozygotes.

Submissions (6):

Labcorp Genetics (formerly Invitae), Labcorp
Classification: Uncertain significance for Distal myopathy with posterior leg and anterior hand involvement; Myofibrillar myopathy 5; Hypertrophic cardiomyopathy 26. Last evaluated: 2025-12-20. Review status: criteria provided, single submitter. Criteria: Invitae Variant Classification Sherloc (09022015). Collection method: clinical testing. Allele origin: germline.
Comment: This sequence change replaces arginine, which is basic and polar, with glutamine, which is neutral and polar, at codon 2239 of the FLNC protein (p.Arg2239Gln). The frequency data for this variant in the population databases is considered unreliable, as metrics indicate poor data quality at this position in the gnomAD database. This variant has not been reported in the literature in individuals affected with FLNC-related conditions. ClinVar contains an entry for this variant (Variation ID: 998433). An algorithm developed to predict the effect of missense changes on protein structure and function (PolyPhen-2) suggests that this variant is likely to be tolerated. In summary, the available evidence is currently insufficient to determine the role of this variant in disease. Therefore, it has been classified as a Variant of Uncertain Significance.

Ambry Genetics
Classification: Uncertain significance for Cardiovascular phenotype. Last evaluated: 2025-05-27. Review status: criteria provided, single submitter. Criteria: Ambry Variant Classification Scheme 2023. Collection method: clinical testing. Allele origin: germline.
Comment: The p.R2239Q variant (also known as c.6716G>A), located in coding exon 40 of the FLNC gene, results from a G to A substitution at nucleotide position 6716. The arginine at codon 2239 is replaced by glutamine, an amino acid with highly similar properties. This amino acid position is well conserved in available vertebrate species. In addition, the in silico prediction for this alteration is inconclusive. Based on the available evidence, the clinical significance of this variant remains unclear.

CeGaT Center for Human Genetics Tuebingen
Classification: Uncertain significance. Last evaluated: 2024-12-01. Review status: criteria provided, single submitter. Criteria: CeGaT Center For Human Genetics Tuebingen Variant Classification Criteria Version 2. Collection method: clinical testing. Allele origin: germline. Affected: yes. Observed: 1 variant allele.
Comment: FLNC: PM2

Blueprint Genetics
Classification: Uncertain significance. Last evaluated: 2022-07-15. Review status: criteria provided, single submitter. Criteria: ACMG Guidelines, 2015. Collection method: clinical testing. Allele origin: germline.

Clinical Genetics DNA and cytogenetics Diagnostics Lab, Erasmus MC, Erasmus Medical Center
Classification: Uncertain significance. Review status: no assertion criteria provided. Collection method: clinical testing. Allele origin: germline. Affected: yes. Study: VKGL Data-share Consensus. Not counted in ClinVar's aggregate classification.

Genome Diagnostics Laboratory, University Medical Center Utrecht
Classification: Uncertain significance. Review status: no assertion criteria provided. Collection method: clinical testing. Allele origin: germline. Affected: yes. Study: VKGL Data-share Consensus. Not counted in ClinVar's aggregate classification.

NM_001458.5(FLNC):c.6716G>A (p.Arg2239Gln)

Genes: FLNC-AS1 (FLNC antisense RNA 1; minus strand), FLNC (filamin C; plus strand). Cytogenetic location: 7q32.1.
Variant type: single nucleotide variant.
Coding change: c.6716G>A on transcript NM_001458.5 (MANE Select); coding-DNA position 6716, G replaced by A.
Protein change: p.Arg2239Gln; replaces arginine 2239 with glutamine.
Molecular consequence: missense variant.
Genome position (GRCh38, 1-based): chr7:128,854,205, G>A. VCF-style: chr7-128854205-G-A. GRCh37 (hg19) VCF-style: chr7-128494259-G-A.
Other names: c.6617G>A, p.Arg2206Gln (NM_001127487.2); c.6716G>A (NM_001458.4); short protein forms R2206Q, R2239Q.
Identifiers: ClinVar variation 998433 (VCV000998433.25), dbSNP rs1350832784, ClinGen allele CA369213282.
Genomic context (GRCh38, chr7:128,854,205, plus strand): 5'-CTGCTGTGTTTGGGGACTTCCTGGGCCGGGAGCGCCTGGGATCCTTCGGCAGCATCACCC[G>A]GCAGCAGGAGGGTGAGCACCGCACACTGGGCCGGCCGGGTCCTCACGGCGGGATGGGAGG-3'
Protein context (NP_001449.3, residues 2229-2249): ERLGSFGSIT[Arg2239Gln]QQEGEASSQD